The following is an entry in ClinVar:

NM_177438.3(DICER1):c.1001A>C (p.Lys334Thr)

Gene: DICER1 (dicer 1, ribonuclease III; minus strand). Cytogenetic location: 14q32.13.
Variant type: single nucleotide variant.
Coding change: c.1001A>C on transcript NM_177438.3 (MANE Select); coding-DNA position 1001, A replaced by C.
Protein change: p.Lys334Thr; replaces lysine 334 with threonine.
Molecular consequence: missense variant.
Genome position (GRCh38, 1-based): chr14:95,124,571, T>G on the plus strand (A>C on the coding strand, the complement: DICER1 is on the minus strand). VCF-style: chr14-95124571-T-G. GRCh37 (hg19) VCF-style: chr14-95590908-T-G.
Other names: c.1001A>C, p.Lys334Thr (NM_001195573.1, NM_001271282.3, NM_001291628.2 and 1 more transcripts); short protein forms K334T.
Identifiers: ClinVar variation 1039288 (VCV001039288.10), dbSNP rs1893238411, ClinGen allele CA390887190.

ClinVar aggregate classification (germline): Uncertain significance (1 of 4 stars; one submission).

Conditions:
DICER1-related tumor predisposition. Also called: DICER1 syndrome; DICER1-related pleuropulmonary blastoma cancer predisposition syndrome. Identifiers: Orphanet 284343, MedGen C3839822, MONDO:0100216.

Submission:

Labcorp Genetics (formerly Invitae), Labcorp
Classification: Uncertain significance for DICER1-related tumor predisposition. Last evaluated: 2020-08-10. Review status: criteria provided, single submitter. Criteria: Invitae Variant Classification Sherloc (09022015). Collection method: clinical testing. Allele origin: germline.
Comment: This sequence change replaces lysine with threonine at codon 334 of the DICER1 protein (p.Lys334Thr). The lysine residue is highly conserved and there is a moderate physicochemical difference between lysine and threonine. This variant is not present in population databases (ExAC no frequency). In summary, the available evidence is currently insufficient to determine the role of this variant in disease. Therefore, it has been classified as a Variant of Uncertain Significance. Algorithms developed to predict the effect of missense changes on protein structure and function (SIFT, PolyPhen-2, Align-GVGD) all suggest that this variant is likely to be tolerated, but these predictions have not been confirmed by published functional studies and their clinical significance is uncertain. This variant has not been reported in the literature in individuals with DICER1-related conditions.